The following is an entry in ClinVar:

ClinVar aggregate classification (germline): Uncertain significance (1 of 4 stars; one submission).

Submission:

Labcorp Genetics (formerly Invitae), Labcorp
Classification: Uncertain significance. Last evaluated: 2025-03-18. Review status: criteria provided, single submitter. Criteria: Invitae Variant Classification Sherloc (09022015). Collection method: clinical testing. Allele origin: germline.
Comment: This sequence change replaces lysine, which is basic and polar, with threonine, which is neutral and polar, at codon 813 of the BUB1 protein (p.Lys813Thr). This variant is not present in population databases (gnomAD no frequency). This variant has not been reported in the literature in individuals affected with BUB1-related conditions. Experimental studies and prediction algorithms are not available or were not evaluated, and the functional significance of this variant is currently unknown. In summary, the available evidence is currently insufficient to determine the role of this variant in disease. Therefore, it has been classified as a Variant of Uncertain Significance.

NM_004336.5(BUB1):c.2438A>C (p.Lys813Thr)

Gene: BUB1 (BUB1 mitotic checkpoint serine/threonine kinase; minus strand). Cytogenetic location: 2q13.
Variant type: single nucleotide variant.
Coding change: c.2438A>C on transcript NM_004336.5 (MANE Select); coding-DNA position 2438, A replaced by C.
Protein change: p.Lys813Thr; replaces lysine 813 with threonine.
Molecular consequence: missense variant.
Genome position (GRCh38, 1-based): chr2:110,642,144, T>G on the plus strand (A>C on the coding strand, the complement: BUB1 is on the minus strand). VCF-style: chr2-110642144-T-G. GRCh37 (hg19) VCF-style: chr2-111399721-T-G.
Other names: c.2378A>C, p.Lys793Thr (NM_001278616.2); c.2438A>C, p.Lys813Thr (NM_001278617.2); short protein forms K793T, K813T.
Identifiers: ClinVar variation 4715273 (VCV004715273.1).